The following is an entry in ClinVar:

NM_021620.4(PRDM13):c.938G>T (p.Arg313Leu)

Gene: PRDM13 (PR/SET domain 13; plus strand). Cytogenetic location: 6q16.2.
Variant type: single nucleotide variant.
Coding change: c.938G>T on transcript NM_021620.4 (MANE Select); coding-DNA position 938, G replaced by T.
Protein change: p.Arg313Leu; replaces arginine 313 with leucine.
Molecular consequence: missense variant.
Genome position (GRCh38, 1-based): chr6:99,613,573, G>T. VCF-style: chr6-99613573-G-T. GRCh37 (hg19) VCF-style: chr6-100061449-G-T.
Other names: short protein forms R313L.
Identifiers: ClinVar variation 1950139 (VCV001950139.5), dbSNP rs746683386, ClinGen allele CA143975292.

ClinVar aggregate classification (germline): Uncertain significance (1 of 4 stars; one submission).

Allele frequency attached by ClinVar (database versions not stated): gnomAD 0.00001.

Submission:

Labcorp Genetics (formerly Invitae), Labcorp
Classification: Uncertain significance. Last evaluated: 2022-10-15. Review status: criteria provided, single submitter. Criteria: Invitae Variant Classification Sherloc (09022015). Collection method: clinical testing. Allele origin: germline.
Comment: In summary, the available evidence is currently insufficient to determine the role of this variant in disease. Therefore, it has been classified as a Variant of Uncertain Significance. Algorithms developed to predict the effect of missense changes on protein structure and function (SIFT, PolyPhen-2, Align-GVGD) all suggest that this variant is likely to be disruptive. This variant has not been reported in the literature in individuals affected with PRDM13-related conditions. This variant is present in population databases (no rsID available, gnomAD 0.007%). This sequence change replaces arginine, which is basic and polar, with leucine, which is neutral and non-polar, at codon 313 of the PRDM13 protein (p.Arg313Leu).